The following is an entry in ClinVar:

ClinVar aggregate classification (germline): Likely pathogenic (1 of 4 stars; one submission).

Conditions:
Retinitis pigmentosa 86. Identifiers: MedGen C5231428, MONDO:0032834, OMIM 618613.

Submission:

Institute of Human Genetics, University of Goettingen
Classification: Likely pathogenic for Retinitis pigmentosa 86. Last evaluated: 2023-03-06. Review status: criteria provided, single submitter. Criteria: ACMG Guidelines, 2015. Collection method: clinical testing. Allele origin: germline. Inheritance: Autosomal recessive inheritance. Affected: yes. Observed: 1 homozygote.
Comment: The heterozygous variant c.4551+1G>C in KIAA1549 is classified as likely pathogenic based on the following evidence: it is not listed in HGMD, ClinVar, LOVD3, or described in the literature; it is predicted to result in a splicing defect (PVS1_strong); it is absent from gnomAD (PM2_supporting). Applied ACMG criteria: PVS1_strong, PM2_supporting

NM_001164665.2(KIAA1549):c.4551+1G>C

Gene: KIAA1549 (KIAA1549; minus strand). Cytogenetic location: 7q34.
Variant type: single nucleotide variant.
Coding change: c.4551+1G>C on transcript NM_001164665.2 (MANE Select); the canonical splice donor site of the intron after coding-DNA position 4551, G replaced by C.
Molecular consequence: splice donor variant.
Genome position (GRCh38, 1-based): chr7:138,871,156, C>G on the plus strand (G>C on the coding strand, the complement: KIAA1549 is on the minus strand). VCF-style: chr7-138871156-C-G. GRCh37 (hg19) VCF-style: chr7-138555902-C-G.
Other names: c.4551+1G>C (NM_020910.3).
Identifiers: ClinVar variation 4280665 (VCV004280665.1).